The following is an entry in ClinVar:

ClinVar aggregate classification (germline): Uncertain significance (1 of 4 stars; one submission).

Conditions:
Myofibrillar myopathy 3 (MFM3). Also called: Muscular dystrophy, proximal, type 1A; Autosomal dominant spheroid body myopathy. Identifiers: Orphanet 266, Orphanet 268129, MedGen C3714934, MONDO:0012215, OMIM 609200.

Submission:

Labcorp Genetics (formerly Invitae), Labcorp
Classification: Uncertain significance for Myofibrillar myopathy 3. Last evaluated: 2022-04-21. Review status: criteria provided, single submitter. Criteria: Invitae Variant Classification Sherloc (09022015). Collection method: clinical testing. Allele origin: germline.
Comment: In summary, the available evidence is currently insufficient to determine the role of this variant in disease. Therefore, it has been classified as a Variant of Uncertain Significance. Algorithms developed to predict the effect of missense changes on protein structure and function (SIFT, PolyPhen-2, Align-GVGD) all suggest that this variant is likely to be tolerated. This variant has not been reported in the literature in individuals affected with MYOT-related conditions. This variant is not present in population databases (gnomAD no frequency). This sequence change replaces proline, which is neutral and non-polar, with serine, which is neutral and polar, at codon 223 of the MYOT protein (p.Pro223Ser).

NM_006790.3(MYOT):c.667C>T (p.Pro223Ser)

Genes: PKD2L2-DT (PKD2L2 divergent transcript; minus strand), MYOT (myotilin; plus strand). Cytogenetic location: 5q31.2.
Variant type: single nucleotide variant.
Coding change: c.667C>T on transcript NM_006790.3 (MANE Select); coding-DNA position 667, C replaced by T.
Protein change: p.Pro223Ser; replaces proline 223 with serine.
Molecular consequence: missense variant.
Genome position (GRCh38, 1-based): chr5:137,880,849, C>T. VCF-style: chr5-137880849-C-T. GRCh37 (hg19) VCF-style: chr5-137216538-C-T.
Other names: c.115C>T, p.Pro39Ser (NM_001135940.2); c.322C>T, p.Pro108Ser (NM_001300911.2); short protein forms P108S, P223S, P39S.
Identifiers: ClinVar variation 2128688 (VCV002128688.4), dbSNP rs2532011990, ClinGen allele CA361054854.